The following is an entry in ClinVar:

NM_001267550.2(TTN):c.40215del (p.Val13406fs)

Gene: TTN (titin; minus strand). Cytogenetic location: 2q31.2.
Variant type: Deletion.
Coding change: c.40215del on transcript NM_001267550.2 (MANE Select); coding-DNA position 40215, one base deleted (T; older notation c.40215delT).
Protein change: p.Val13406fs; shifts the reading frame from valine 13406.
Molecular consequence: frameshift variant. On other transcripts: intron variant (5).
Genome position (GRCh38, 1-based): chr2:178,647,071, A deleted on the plus strand (T on the coding strand, the reverse complement: TTN is on the minus strand). VCF-style (leftmost placement, unchanged base first): chr2-178647070-CA-C. GRCh37 (hg19) VCF-style: chr2-179511797-CA-C.
Other names: c.13283-4754del (NM_003319.4); c.13859-4754del (NM_133437.4); c.13658-4754del (NM_133432.3); c.32594-1041del (NM_133378.4); c.35375-1041del (NM_001256850.1); short protein forms V13406fs.
Identifiers: ClinVar variation 4782815 (VCV004782815.1).

ClinVar aggregate classification (germline): Likely pathogenic (1 of 4 stars; one submission).

Conditions:
Dilated cardiomyopathy 1G (CMD1G). Identifiers: Orphanet 154, MedGen C1858763, MONDO:0011400, OMIM 604145.
Autosomal recessive limb-girdle muscular dystrophy type 2J (LGMDR10). Also called: Limb-girdle muscular dystrophy, type 2J; MUSCULAR DYSTROPHY, LIMB-GIRDLE, AUTOSOMAL RECESSIVE 10. Identifiers: Orphanet 140922, MedGen C1837342, MONDO:0012127, OMIM 608807.

Submission:

Labcorp Genetics (formerly Invitae), Labcorp
Classification: Likely pathogenic for Dilated cardiomyopathy 1G; Autosomal recessive limb-girdle muscular dystrophy type 2J. Last evaluated: 2025-09-20. Review status: criteria provided, single submitter. Criteria: Invitae Variant Classification Sherloc (09022015). Collection method: clinical testing. Allele origin: germline.
Comment: This sequence change creates a premature translational stop signal (p.Val13406Leufs*26) in the TTN gene. While this is not anticipated to result in nonsense mediated decay, it is expected to create a truncated TTN protein. This variant is present in population databases (no rsID available, gnomAD 0.01%). This variant has not been reported in the literature in individuals affected with TTN-related conditions. This variant is located in the I band of TTN (PMID: 25589632). Truncating variants in this region have been reported in individuals affected with autosomal recessive centronuclear myopathy (PMID: 23975875, internal data). Truncating variants in this region have also been identified in individuals affected with autosomal dominant dilated cardiomyopathy and/or cardio-related conditions (PMID: 27869827, 32964742, internal data). In summary, the currently available evidence indicates that the variant is pathogenic, but additional data are needed to prove that conclusively. Therefore, this variant has been classified as Likely Pathogenic.

Literature cited by the submitters: PubMed 25589632; PubMed 23975875; PubMed 27869827; PubMed 32964742.